The following is an entry in ClinVar:

ClinVar aggregate classification (germline): Pathogenic. Review status: criteria provided, multiple submitters, no conflicts (2 of 4 stars). 9 submissions from 9 submitters: Pathogenic (7). 2 of the submissions do not count toward it. Last evaluated 2025-10-27.

Conditions:
Congenital myasthenic syndrome 20. Also called: Myasthenic syndrome, congenital, 20, presynaptic. Identifiers: MedGen C4310694, MONDO:0014939, OMIM 617143.
Decreased circulating carnitine concentration. Also called: Decreased plasma carnitine. Identifiers: MedGen C5848230, HP:0003234.
Renal carnitine transport defect (CDSP). Also called: Carnitine transporter deficiency; Carnitine Deficiency, Systemic; Primary carnitine deficiency; Systemic primary carnitine deficiency; CARNITINE DEFICIENCY, SYSTEMIC, DUE TO DEFECT IN RENAL REABSORPTION OF CARNITINE; CARNITINE TRANSPORTER, PLASMA-MEMBRANE, DEFICIENCY OF. Identifiers: Orphanet 158, MedGen C0342788, MONDO:0008919, OMIM 212140.

Submissions (9):

Labcorp Genetics (formerly Invitae), Labcorp
Classification: Pathogenic for Renal carnitine transport defect. Last evaluated: 2025-10-27. Review status: criteria provided, single submitter. Criteria: Invitae Variant Classification Sherloc (09022015). Collection method: clinical testing. Allele origin: germline.
Comment: This sequence change creates a premature translational stop signal (p.Ile89Glyfs*45) in the SLC22A5 gene. It is expected to result in an absent or disrupted protein product. Loss-of-function variants in SLC22A5 are known to be pathogenic (PMID: 9916797). This variant is present in population databases (rs757431170, gnomAD 0.02%). This premature translational stop signal has been observed in individual(s) with primary carnitine deficiency (PMID: 11715001, 28841266). ClinVar contains an entry for this variant (Variation ID: 38790). For these reasons, this variant has been classified as Pathogenic.

Fulgent Genetics
Classification: Pathogenic for Renal carnitine transport defect. Last evaluated: 2024-05-04. Review status: criteria provided, single submitter. Criteria: ACMG Guidelines, 2015. Collection method: clinical testing. Allele origin: germline.

GeneDx
Classification: Pathogenic. Last evaluated: 2023-12-27. Review status: criteria provided, single submitter. Criteria: GeneDx Variant Classification Process June 2021. Collection method: clinical testing. Allele origin: germline. Affected: yes.
Comment: Frameshift variant predicted to result in protein truncation or nonsense mediated decay in a gene for which loss-of-function is a known mechanism of disease; This variant is associated with the following publications: (PMID: 16652335, 31980526, 11715001, 21922592, 23379544, 28841266, 15714519)

Mendelics
Classification: Pathogenic for Renal carnitine transport defect. Last evaluated: 2022-05-04. Review status: criteria provided, single submitter. Criteria: Mendelics Assertion Criteria 2019. Collection method: clinical testing. Allele origin: germline.

Genome-Nilou Lab
Classification: Pathogenic for Renal carnitine transport defect. Last evaluated: 2021-07-15. Review status: criteria provided, single submitter. Criteria: ACMG Guidelines, 2015. Collection method: clinical testing. Allele origin: germline. Affected: no.

CeGaT Center for Human Genetics Tuebingen
Classification: Pathogenic. Last evaluated: 2020-01-01. Review status: criteria provided, single submitter. Criteria: CeGaT Center For Human Genetics Tuebingen Variant Classification Criteria Version 2. Collection method: clinical testing. Allele origin: germline. Affected: yes. Observed: 2 variant alleles.

Women's Health and Genetics/Laboratory Corporation of America, LabCorp
Classification: Pathogenic for Renal carnitine transport defect. Last evaluated: 2016-08-04. Review status: criteria provided, single submitter. Criteria: LabCorp Variant Classification Summary - May 2015. Collection method: clinical testing. Allele origin: germline.
Comment: Variant summary: The SLC22A5 c.254_264dup11 (p.Ile89Glyfs) variant results in a premature termination codon, predicted to cause a truncated or absent SLC22A5 protein due to nonsense mediated decay, which are commonly known mechanisms for disease. One in silico tool predicts a damaging outcome for this variant. This variant is absent in 42704 control chromosomes. This variant has been reported in multiple PCD patients both homozygously and heterozygously. Functional study showed this variant caused decreased levels of mature mRNA. In addition, multiple clinical diagnostic laboratories/reputable databases classified this variant as pathogenic. Taken together, this variant is classified as pathogenic.

Ricardo Maselli Laboratory, University of California Davis
Classification: Pathogenic for Congenital myasthenic syndrome 20. Last evaluated: 2024-01-16. Review status: no assertion criteria provided. Collection method: clinical testing. Allele origin: unknown. Inheritance: Autosomal recessive inheritance. Observed: 1 compound heterozygote. Not counted in ClinVar's aggregate classification.
Comment: Congenital Myasthenic Syndrome with episodic apneas.

Natera, Inc.
Classification: Pathogenic for Carnitine deficiency. Last evaluated: 2020-08-26. Review status: no assertion criteria provided. Collection method: clinical testing. Allele origin: germline. Not counted in ClinVar's aggregate classification.

Literature cited by the submitters: PubMed 9916797 (cited by Labcorp Genetics (formerly Invitae), Labcorp); PubMed 11715001 (cited by Labcorp Genetics (formerly Invitae), Labcorp); PubMed 28841266 (cited by Labcorp Genetics (formerly Invitae), Labcorp).

NM_003060.4(SLC22A5):c.254_264dup (p.Ile89fs)

Gene: SLC22A5 (solute carrier family 22 member 5; plus strand). Cytogenetic location: 5q31.1.
Variant type: Duplication.
Coding change: c.254_264dup on transcript NM_003060.4 (MANE Select); coding-DNA positions 254 to 264, 11 bases duplicated (GGCTCGCCACC).
Protein change: p.Ile89fs; shifts the reading frame from isoleucine 89.
Molecular consequence: frameshift variant.
Genome position (GRCh38, 1-based): chr5:132,370,226-132,370,236, GGCTCGCCACC duplicated; duplicating any 11 consecutive bases within chr5:132,370,223-132,370,236 gives the same sequence; the c. name uses the placement nearest the transcript's 3' end. VCF-style (leftmost placement, unchanged base first): chr5-132370222-T-TACCGGCTCGCC. GRCh37 (hg19) VCF-style: chr5-131705914-T-TACCGGCTCGCC.
Other names: I89GfsX45; c.254_264dupGGCTCGCCACC (NM_003060.3); c.254_264dup, p.Ile89fs (NM_001308122.2); short protein forms I89fs.
Identifiers: ClinVar variation 38790 (VCV000038790.69), dbSNP rs377767449, ClinGen allele CA312971.